The following is an entry in ClinVar:

NM_001982.4(ERBB3):c.3025CTAGAC[4] (p.Leu1015_Glu1016insAspLeu)

Gene: ERBB3 (erb-b2 receptor tyrosine kinase 3; plus strand). Cytogenetic location: 12q13.2.
Variant type: Microsatellite.
Coding change: c.3025CTAGAC[4] on transcript NM_001982.4 (MANE Select); four copies in a row of the 6-base unit CTAGAC starting at c.3025; the reference has three copies in a row; one copy, 6 bases duplicated.
Protein change: p.Leu1015_Glu1016insAspLeu.
Molecular consequence: inframe indel (on NM_001982.3).
Genome position (GRCh38, 1-based): chr12:56,099,937-56,099,942, CTAGAC duplicated; duplicating any 6 consecutive bases within chr12:56,099,925-56,099,942 gives the same sequence; the position shown is the placement nearest the transcript's 3' end. VCF-style (leftmost placement, unchanged base first): chr12-56099924-A-ACTAGAC. GRCh37 (hg19) VCF-style: chr12-56493708-A-ACTAGAC.
Other names: c.3025_3030CTAGAC[4], p.Leu1015_Glu1016insAspLeu (NM_001982.3); c.3037_3042dup6 (NM_001982.3).
Identifiers: ClinVar variation 3032716 (VCV003032716.2), dbSNP rs755187499, ClinGen allele CA6622811.

ClinVar aggregate classification (germline): Uncertain significance (0 of 4 stars; one submission).

Conditions:
ERBB3-related disorder. Also called: ERBB3-related condition.

Submission:

PreventionGenetics, part of Exact Sciences
Classification: Uncertain significance for ERBB3-related condition. Last evaluated: 2024-02-22. Review status: no assertion criteria provided. Collection method: clinical testing. Allele origin: germline.
Comment: The ERBB3 c.3037_3042dup6 variant is predicted to result in an in-frame duplication (p.Asp1014_Leu1015dup). To our knowledge, this variant has not been reported in the literature. This variant is reported in 0.0062% of alleles in individuals of African descent in gnomAD. At this time, the clinical significance of this variant is uncertain due to the absence of conclusive functional and genetic evidence.